The following is an entry in ClinVar:

NM_002112.4(HDC):c.850C>A (p.Pro284Thr)

Gene: HDC (histidine decarboxylase; minus strand). Cytogenetic location: 15q21.2.
Variant type: single nucleotide variant.
Coding change: c.850C>A on transcript NM_002112.4 (MANE Select); coding-DNA position 850, C replaced by A.
Protein change: p.Pro284Thr; replaces proline 284 with threonine.
Molecular consequence: missense variant.
Genome position (GRCh38, 1-based): chr15:50,252,712, G>T on the plus strand (C>A on the coding strand, the complement: HDC is on the minus strand). VCF-style: chr15-50252712-G-T. GRCh37 (hg19) VCF-style: chr15-50544909-G-T.
Other names: c.850C>A, p.Pro284Thr (NM_001306146.2); short protein forms P284T.
Identifiers: ClinVar variation 2496457 (VCV002496457.3), dbSNP rs141554251, ClinGen allele CA270423143.
Genomic context (GRCh38, chr15:50,252,712, plus strand): 5'-AAGGATTAAAGGTGAAGGAGTCGGCATACTCAATCCCCTTCAGAAACCCCCGGAACTCGG[G>T]GCACAGGAAGGCAGTGCCTGCATAAGCAGCATCGATGTGGAGCCACAGCCCCTCACGGGC-3'
Protein context (NP_002103.2, residues 274-294): AAYAGTAFLC[Pro284Thr]EFRGFLKGIE

ClinVar aggregate classification (germline): Uncertain significance. Review status: criteria provided, single submitter (1 of 4 stars). 2 submissions from 2 submitters: Uncertain significance (1). 1 of the submissions does not count toward it. Last evaluated 2023-03-14.

Conditions:
HDC-related disorder. Also called: HDC-related condition.

Allele frequency attached by ClinVar (database versions not stated): TOPMed 0.00006; gnomAD 0.00007; ESP Exome Variant Server 0.00008.
gnomAD v4.1: 18 of 1,613,990 alleles (0.0011%); highest among the groups gnomAD compares: African/African-American, 0.024%; no homozygotes.

Submissions (2):

Ambry Genetics
Classification: Uncertain significance. Last evaluated: 2023-03-14. Review status: criteria provided, single submitter. Criteria: Ambry Variant Classification Scheme 2023. Collection method: clinical testing. Allele origin: germline.

PreventionGenetics, part of Exact Sciences
Classification: Uncertain significance for HDC-related condition. Last evaluated: 2024-03-21. Review status: no assertion criteria provided. Collection method: clinical testing. Allele origin: germline. Not counted in ClinVar's aggregate classification.
Comment: The HDC c.850C>A variant is predicted to result in the amino acid substitution p.Pro284Thr. To our knowledge, this variant has not been reported in the literature. This variant is reported in 0.020% of alleles in individuals of African descent in gnomAD. At this time, the clinical significance of this variant is uncertain due to the absence of conclusive functional and genetic evidence.